The following is an entry in ClinVar:

NM_001853.4(COL9A3):c.223G>C (p.Glu75Gln)

Gene: COL9A3 (collagen type IX alpha 3 chain; plus strand). Cytogenetic location: 20q13.33.
Variant type: single nucleotide variant.
Coding change: c.223G>C on transcript NM_001853.4 (MANE Select); coding-DNA position 223, G replaced by C.
Protein change: p.Glu75Gln; replaces glutamic acid 75 with glutamine.
Molecular consequence: missense variant.
Genome position (GRCh38, 1-based): chr20:62,819,261, G>C. VCF-style: chr20-62819261-G-C. GRCh37 (hg19) VCF-style: chr20-61450613-G-C.
Other names: short protein forms E75Q.
Identifiers: ClinVar variation 2891808 (VCV002891808.3), dbSNP rs906822613, ClinGen allele CA317322678.

ClinVar aggregate classification (germline): Uncertain significance (1 of 4 stars; one submission).

Allele frequency attached by ClinVar (database versions not stated): TOPMed below 0.00001; gnomAD 0.00001.
gnomAD v4.1: 2 of 1,612,456 alleles (0.00012%); highest among the groups gnomAD compares: African/African-American, 0.0027%; no homozygotes.

Submission:

Labcorp Genetics (formerly Invitae), Labcorp
Classification: Uncertain significance. Last evaluated: 2023-06-04. Review status: criteria provided, single submitter. Criteria: Invitae Variant Classification Sherloc (09022015). Collection method: clinical testing. Allele origin: germline.
Comment: In summary, the available evidence is currently insufficient to determine the role of this variant in disease. Therefore, it has been classified as a Variant of Uncertain Significance. Advanced modeling of protein sequence and biophysical properties (such as structural, functional, and spatial information, amino acid conservation, physicochemical variation, residue mobility, and thermodynamic stability) performed at Invitae indicates that this missense variant is not expected to disrupt COL9A3 protein function. This variant has not been reported in the literature in individuals affected with COL9A3-related conditions. This variant is not present in population databases (gnomAD no frequency). This sequence change replaces glutamic acid, which is acidic and polar, with glutamine, which is neutral and polar, at codon 75 of the COL9A3 protein (p.Glu75Gln).